The following is an entry in ClinVar:

NM_000548.5(TSC2):c.1551G>A (p.Glu517=)

Gene: TSC2 (TSC complex subunit 2; plus strand). Cytogenetic location: 16p13.3.
Variant type: single nucleotide variant.
Coding change: c.1551G>A on transcript NM_000548.5 (MANE Select); coding-DNA position 1551, G replaced by A.
Protein change: p.Glu517=; no amino-acid change (glutamic acid 517 retained).
Molecular consequence: synonymous variant. On other transcripts: 5 prime UTR variant (1), non-coding transcript variant (5).
Genome position (GRCh38, 1-based): chr16:2,064,379, G>A. VCF-style: chr16-2064379-G-A. GRCh37 (hg19) VCF-style: chr16-2114380-G-A.
Other names: c.1494G>A, p.Glu498= (NM_001406677.1); c.1440G>A, p.Glu480= (NM_001406678.1, NM_001318827.2, NM_001406670.1); c.1404G>A, p.Glu468= (NM_001406679.1, NM_001318829.2, NM_001406675.1 and 1 more transcripts); c.951G>A, p.Glu317= (NM_001406680.1, NM_001406682.1, NM_001406683.1 and 6 more transcripts); c.1089G>A, p.Glu363= (NM_001406681.1); c.207G>A, p.Glu69= (NM_001406689.1, NM_001406690.1, NM_001406691.1 and 6 more transcripts); c.-52G>A (NM_001406698.1); c.1551G>A, p.Glu517= (NM_021055.3, NM_001077183.3, NM_001114382.3 and 6 more transcripts); and 3 more.
Identifiers: ClinVar variation 2737843 (VCV002737843.4), dbSNP rs1567437828, ClinGen allele CA492963044.
Genomic context (GRCh38, chr16:2,064,379, plus strand): 5'-CGAGGATAAAGACCACCAGGTCCGAAAGCTGGCCACCCAGTTGCTGGTGGACCTGGCAGA[G>A]GGCTGCCACACACACCACTTCAACAGCCTGCTGGACATCATCGAGAAGGTGAGAGCCGTT-3'
Protein context (NP_000539.2, residues 507-527): LATQLLVDLA[Glu517=]GCHTHHFNSL

ClinVar aggregate classification (germline): Benign/Likely benign. Review status: criteria provided, multiple submitters, no conflicts (2 of 4 stars). 2 submissions from 2 submitters: Benign (1); Likely benign (1). Last evaluated 2025-05-14.

Conditions:
Tuberous sclerosis 2 (TSC2). Identifiers: Orphanet 805, MedGen C1860707, MONDO:0013199, OMIM 613254.

Submissions (2):

Myriad Genetics, Inc.
Classification: Benign for Tuberous sclerosis 2. Last evaluated: 2025-05-14. Review status: criteria provided, single submitter. Criteria: Myriad Autosomal Dominant, Autosomal Recessive and X-Linked Classification Criteria (2023). Collection method: clinical testing. Allele origin: unknown.
Comment: This variant is considered benign. This variant is a silent/synonymous amino acid change and it is not expected to impact splicing.

Labcorp Genetics (formerly Invitae), Labcorp
Classification: Likely benign for Tuberous sclerosis 2. Last evaluated: 2025-02-24. Review status: criteria provided, single submitter. Criteria: Invitae Variant Classification Sherloc (09022015). Collection method: clinical testing. Allele origin: germline.